The following is an entry in ClinVar:

NM_001378615.1(CC2D2A):c.1465C>T (p.Arg489Ter)

Genes: CC2D2A (coiled-coil and C2 domain containing 2A; plus strand), FBXL5 (F-box and leucine rich repeat protein 5; minus strand). Cytogenetic location: 4p15.32.
Variant type: single nucleotide variant.
Coding change: c.1465C>T on transcript NM_001378615.1 (MANE Select); coding-DNA position 1465, C replaced by T.
Protein change: p.Arg489Ter; replaces arginine 489 with a stop codon.
Molecular consequence: nonsense.
Genome position (GRCh38, 1-based): chr4:15,528,725, C>T. VCF-style: chr4-15528725-C-T. GRCh37 (hg19) VCF-style: chr4-15530348-C-T.
Other names: c.1465C>T, p.Arg489Ter (NM_001080522.2); c.1318C>T, p.Arg440Ter (NM_001378617.1); short protein forms R440*, R489*.
Identifiers: ClinVar variation 1180720 (VCV001180720.9), dbSNP rs145678228, ClinGen allele CA2863674.
Genomic context (GRCh38, chr4:15,528,725, plus strand): 5'-AAACCTCATCAGTCTCTCGATACCATCCAAAAAACCATCAATGAGTATAAATCTGAAATT[C>T]GGTGAGTAAAGTTTGTTAAGTGTAACTACTTTTTTTCCCGTTAGATGTGCACTTGTTAGA-3'

ClinVar aggregate classification (germline): Pathogenic/Likely pathogenic. Review status: criteria provided, multiple submitters, no conflicts (2 of 4 stars). 4 submissions from 4 submitters: Pathogenic (2); Likely pathogenic (2). Last evaluated 2025-05-08.

Conditions:
Joubert syndrome and related disorders. Identifiers: Orphanet 140874, MedGen C5679612, MONDO:0015369.
CC2D2A-related disorder. Also called: CC2D2A-related disorders; CC2D2A-related condition. Identifiers: MedGen CN239313.
Joubert syndrome. Also called: JOUBERT-BOLTSHAUSER SYNDROME; Familial aplasia of the vermis. Identifiers: Orphanet 475, MedGen C5979921, MONDO:0018772.
Meckel-Gruber syndrome. Also called: DYSENCEPHALIA SPLANCHNOCYSTICA; GRUBER SYNDROME; Dysencephalia splachnocystica. Identifiers: Orphanet 564, MedGen C0265215, MONDO:0018921.
Abnormality of prenatal development or birth. Identifiers: MedGen C4025797, HP:0001197.

Allele frequency attached by ClinVar (database versions not stated): 1000 Genomes Project 30x 0.00016; 1000 Genomes Project 0.00020.
gnomAD v4.1: 13 of 1,594,878 alleles (0.00082%); highest among the groups gnomAD compares: East Asian, 0.0068%; no homozygotes.

Submissions (4):

Labcorp Genetics (formerly Invitae), Labcorp
Classification: Pathogenic for Joubert syndrome; Meckel-Gruber syndrome. Last evaluated: 2025-05-08. Review status: criteria provided, single submitter. Criteria: Invitae Variant Classification Sherloc (09022015). Collection method: clinical testing. Allele origin: germline.
Comment: This sequence change creates a premature translational stop signal (p.Arg489*) in the CC2D2A gene. It is expected to result in an absent or disrupted protein product. Loss-of-function variants in CC2D2A are known to be pathogenic (PMID: 19777577). This variant is present in population databases (rs145678228, gnomAD 0.01%). This variant has not been reported in the literature in individuals affected with CC2D2A-related conditions. ClinVar contains an entry for this variant (Variation ID: 1180720). For these reasons, this variant has been classified as Pathogenic.

Myriad Genetics, Inc.
Classification: Pathogenic for Joubert syndrome and related disorders. Last evaluated: 2024-05-25. Review status: criteria provided, single submitter. Criteria: Myriad Autosomal Dominant, Autosomal Recessive and X-Linked Classification Criteria (2023). Collection method: clinical testing. Allele origin: unknown.
Comment: NM_001080522.2(CC2D2A):c.1465C>T(R489*) is expected to be pathogenic in the context of CC2D2A-related disorders. This variant is predicted to lead to an abnormal or absent protein product due to the creation of a premature termination codon in CC2D2A, a gene where loss-of-function variants are known to be pathogenic. Please note: this variant was assessed in the context of healthy population screening.

Blueprint Genetics
Classification: Likely pathogenic for CC2D2A-related disorders. Last evaluated: 2021-10-06. Review status: criteria provided, single submitter. Criteria: ACMG Guidelines, 2015. Collection method: clinical testing. Allele origin: germline. Affected: yes. Observed: 1 variant allele.

Kariminejad - Najmabadi Pathology & Genetics Center
Classification: Likely pathogenic for Abnormality of prenatal development or birth. Last evaluated: 2021-07-10. Review status: criteria provided, single submitter. Criteria: ACMG Guidelines, 2015. Collection method: clinical testing. Allele origin: germline.

Literature cited by the submitters: PubMed 19777577 (cited by Labcorp Genetics (formerly Invitae), Labcorp).